The following is an entry in ClinVar:

ClinVar aggregate classification (germline): Likely pathogenic (1 of 4 stars; one submission).

Conditions:
Hereditary factor XI deficiency disease. Also called: PLASMA THROMBOPLASTIN ANTECEDENT DEFICIENCY; PTA DEFICIENCY; ROSENTHAL SYNDROME; Congenital factor XI deficiency. Identifiers: Orphanet 329, MedGen C0015523, MeSH D005173, MONDO:0012897, OMIM 612416.

gnomAD v4.1: 1 of 1,614,238 alleles (0.000062%); highest among the groups gnomAD compares: Middle Eastern, 0.016%; no homozygotes.

Submission:

Clinical Genetics Laboratory, Skane University Hospital Lund
Classification: Likely pathogenic for Hereditary factor XI deficiency disease. Last evaluated: 2026-07-23. Review status: criteria provided, single submitter. Criteria: ACMG Guidelines, 2015. Collection method: clinical testing. Allele origin: germline. Affected: yes.
Comment: PM2, PM5, PP3, PP4

NM_000128.4(F11):c.451T>G (p.Tyr151Asp)

Gene: F11 (coagulation factor XI; plus strand). Cytogenetic location: 4q35.2.
Variant type: single nucleotide variant.
Coding change: c.451T>G on transcript NM_000128.4 (MANE Select); coding-DNA position 451, T replaced by G.
Protein change: p.Tyr151Asp; replaces tyrosine 151 with aspartic acid.
Molecular consequence: missense variant.
Genome position (GRCh38, 1-based): chr4:186,274,241, T>G. VCF-style: chr4-186274241-T-G. GRCh37 (hg19) VCF-style: chr4-187195395-T-G.
Other names: c.451T>G, p.Tyr151Asp (NM_001354804.2, NM_001440590.1, NM_001440593.1 and 5 more transcripts); short protein forms Y151D.
Identifiers: ClinVar variation 4890895 (VCV004890895.1).